The following is an entry in ClinVar:

NM_004795.4(KL):c.2144A>G (p.Asn715Ser)

Gene: KL (klotho; plus strand). Cytogenetic location: 13q13.1.
Variant type: single nucleotide variant.
Coding change: c.2144A>G on transcript NM_004795.4 (MANE Select); coding-DNA position 2144, A replaced by G.
Protein change: p.Asn715Ser; replaces asparagine 715 with serine.
Molecular consequence: missense variant.
Genome position (GRCh38, 1-based): chr13:33,061,223, A>G. VCF-style: chr13-33061223-A-G. GRCh37 (hg19) VCF-style: chr13-33635360-A-G.
Other names: short protein forms N715S.
Identifiers: ClinVar variation 4737420 (VCV004737420.1).

ClinVar aggregate classification (germline): Uncertain significance (1 of 4 stars; one submission).

gnomAD v4.1: 16 of 1,614,144 alleles (0.00099%); highest among the groups gnomAD compares: East Asian, 0.0022%; no homozygotes.

Submission:

Labcorp Genetics (formerly Invitae), Labcorp
Classification: Uncertain significance. Last evaluated: 2025-04-22. Review status: criteria provided, single submitter. Criteria: Invitae Variant Classification Sherloc (09022015). Collection method: clinical testing. Allele origin: germline.
Comment: This sequence change replaces asparagine, which is neutral and polar, with serine, which is neutral and polar, at codon 715 of the KL protein (p.Asn715Ser). This variant is present in population databases (rs781426040, gnomAD 0.002%). This variant has not been reported in the literature in individuals affected with KL-related conditions. Invitae Evidence Modeling of protein sequence and biophysical properties (such as structural, functional, and spatial information, amino acid conservation, physicochemical variation, residue mobility, and thermodynamic stability) indicates that this missense variant is not expected to disrupt KL protein function with a negative predictive value of 80%. In summary, the available evidence is currently insufficient to determine the role of this variant in disease. Therefore, it has been classified as a Variant of Uncertain Significance.